The following is an entry in ClinVar:

ClinVar aggregate classification (germline): Uncertain significance (1 of 4 stars; one submission).

Conditions:
SH2B1-related disorder. Also called: SH2B1-related condition.

gnomAD v4.1: 12 of 1,611,442 alleles (0.00074%); highest among the groups gnomAD compares: South Asian, 0.0022%; no homozygotes.

Submission:

PreventionGenetics, part of Exact Sciences
Classification: Uncertain significance for SH2B1-related condition. Last evaluated: 2026-08-10. Review status: criteria provided, single submitter. Criteria: ACMG Guidelines, 2015. Collection method: clinical testing. Allele origin: germline.
Comment: The SH2B1 c.1391C>T variant is predicted to result in the amino acid substitution p.Ser464Leu. To our knowledge, this variant has not been reported in the literature. This variant is reported in 0.013% of alleles in individuals of South Asian descent in gnomAD. At this time, the clinical significance of this variant is uncertain due to the absence of conclusive functional and genetic evidence.

NM_001387430.1(SH2B1):c.1391C>T (p.Ser464Leu)

Gene: SH2B1 (SH2B adaptor protein 1; plus strand). Cytogenetic location: 16p11.2.
Variant type: single nucleotide variant.
Coding change: c.1391C>T on transcript NM_001387430.1 (MANE Select); coding-DNA position 1391, C replaced by T.
Protein change: p.Ser464Leu; replaces serine 464 with leucine.
Molecular consequence: missense variant.
Genome position (GRCh38, 1-based): chr16:28,871,861, C>T. VCF-style: chr16-28871861-C-T. GRCh37 (hg19) VCF-style: chr16-28883182-C-T.
Other names: c.1391C>T, p.Ser464Leu (NM_001145795.2, NM_001145796.2, NM_001145797.2 and 4 more transcripts); c.383C>T, p.Ser128Leu (NM_001308294.2); short protein forms S128L, S464L.
Identifiers: ClinVar variation 4986573 (VCV004986573.1).